The following is an entry in ClinVar:

ClinVar aggregate classification (germline): Conflicting classifications of pathogenicity. Review status: criteria provided, conflicting classifications (1 of 4 stars). 6 submissions from 5 submitters: Uncertain significance (4); Likely benign (2). Last evaluated 2025-11-06.

Conditions:
Cardiovascular phenotype. Identifiers: MedGen CN230736.
Catecholaminergic polymorphic ventricular tachycardia (CVPT). Also called: Catecholamine-induced polymorphic ventricular tachycardia. Identifiers: Orphanet 3286, MedGen C5574922, MONDO:0017990.
Arrhythmogenic right ventricular dysplasia 2. Identifiers: MedGen C1832931.
Cardiomyopathy (CMYO). Also called: Cardiomyopathies. Identifiers: Orphanet 167848, MedGen C0878544, MONDO:0004994, HP:0001638. Inheritance: Various modes of inheritance.
Catecholaminergic polymorphic ventricular tachycardia 1. Also called: RYR2-Related Catecholaminergic Polymorphic Ventricular Tachycardia; VENTRICULAR TACHYCARDIA, CATECHOLAMINERGIC POLYMORPHIC, 1, WITH OR WITHOUT ATRIAL DYSFUNCTION AND/OR DILATED CARDIOMYOPATHY; VENTRICULAR TACHYCARDIA, STRESS-INDUCED POLYMORPHIC 1. Identifiers: Orphanet 3286, MedGen C1631597, MONDO:0011484, OMIM 604772.

Allele frequency attached by ClinVar (database versions not stated): gnomAD 0.00001; gnomAD exomes 0.00001 and 0.00004; TOPMed 0.00004; ExAC 0.00008.
gnomAD v4.1: 25 of 1,605,896 alleles (0.0016%); highest among the groups gnomAD compares: East Asian, 0.045%; no homozygotes.

Submissions (6):

Labcorp Genetics (formerly Invitae), Labcorp
Classification: Likely benign for Catecholaminergic polymorphic ventricular tachycardia 1. Last evaluated: 2025-11-06. Review status: criteria provided, single submitter. Criteria: Invitae Variant Classification Sherloc (09022015). Collection method: clinical testing. Allele origin: germline.

All of Us Research Program, National Institutes of Health
Classification: Uncertain significance for Catecholaminergic polymorphic ventricular tachycardia. Last evaluated: 2023-04-03. Review status: criteria provided, single submitter. Criteria: ACMG Guidelines, 2015. Collection method: clinical testing. Allele origin: germline. Inheritance: Autosomal dominant inheritance. Observed: 2 variant alleles, 2 heterozygotes.
Comment: This missense variant replaces serine with asparagine at codon 4407 of the RYR2 protein. Computational prediction suggests that this variant may not impact protein structure and function (internally defined REVEL score threshold <= 0.5, PMID: 27666373). Splice site prediction tools suggest that this variant may not impact RNA splicing. To our knowledge, functional studies have not been performed for this variant. This variant has not been reported in individuals affected with cardiovascular disorders in the literature. This variant has not been identified in the general population by the Genome Aggregation Database (gnomAD). The available evidence is insufficient to determine the role of this variant in disease conclusively. Therefore, this variant is classified as a Variant of Uncertain Significance.

This study involves interpretation of variants in research participants for the purpose of population health screening. Participant phenotype was not available at the time of variant classification. Additional details can be found in publication PMID: 35346344, PMCID: PMC8962531

Color Diagnostics, LLC DBA Color Health
Classification: Uncertain significance for Cardiomyopathy. Last evaluated: 2022-11-15. Review status: criteria provided, single submitter. Criteria: ACMG Guidelines, 2015. Collection method: clinical testing. Allele origin: germline.
Comment: This missense variant replaces serine with asparagine at codon 4407 of the RYR2 protein. Computational prediction suggests that this variant may not impact protein structure and function (internally defined REVEL score threshold <= 0.5, PMID: 27666373). To our knowledge, functional studies have not been reported for this variant. This variant has not been reported in individuals affected with RYR2-related disorders in the literature. This variant has not been identified in the general population by the Genome Aggregation Database (gnomAD). The available evidence is insufficient to determine the role of this variant in disease conclusively. Therefore, this variant is classified as a Variant of Uncertain Significance.

Illumina Laboratory Services, Illumina
Classification: Uncertain significance for Catecholaminergic polymorphic ventricular tachycardia 1. Last evaluated: 2018-01-13. Review status: criteria provided, single submitter. Criteria: ICSL Variant Classification Criteria 13 December 2019. Collection method: clinical testing. Allele origin: germline.

Illumina Laboratory Services, Illumina
Classification: Likely benign for Catecholaminergic polymorphic ventricular tachycardia 1. Last evaluated: 2018-01-13. Review status: criteria provided, single submitter. Criteria: ICSL Variant Classification Criteria 13 December 2019. Collection method: clinical testing. Allele origin: germline.
Comment: This variant was observed in the ICSL laboratory as part of a predisposition screen in an ostensibly healthy population. It had not been previously curated by ICSL or reported in the Human Gene Mutation Database (HGMD: prior to June 1st, 2018), and was therefore a candidate for classification through an automated scoring system. Utilizing variant allele frequency, disease prevalence and penetrance estimates, and inheritance mode, an automated score was calculated to assess if this variant is too frequent to cause the disease. Based on the score and internal cut-off values, a variant classified as likely benign is not then subjected to further curation. The score for this variant resulted in a classification of likely benign for this disease.

Ambry Genetics
Classification: Uncertain significance for Cardiovascular phenotype. Last evaluated: 2017-12-07. Review status: criteria provided, single submitter. Criteria: Ambry Variant Classification Scheme 2023. Collection method: clinical testing. Allele origin: germline.
Comment: The p.S4407N variant (also known as c.13220G>A), located in coding exon 90 of the RYR2 gene, results from a G to A substitution at nucleotide position 13220. The serine at codon 4407 is replaced by asparagine, an amino acid with highly similar properties. This amino acid position is not well conserved in available vertebrate species, and asparagine is the reference amino acid in other vertebrate species. In addition, this alteration is predicted to be tolerated by in silico analysis. Since supporting evidence is limited at this time, the clinical significance of this alteration remains unclear.

NM_001035.3(RYR2):c.13220G>A (p.Ser4407Asn)

Genes: RYR2 (ryanodine receptor 2; plus strand), LOC126806068 (BRD4-independent group 4 enhancer GRCh37_chr1:237947411-237948610; plus strand). Cytogenetic location: 1q43.
Variant type: single nucleotide variant.
Coding change: c.13220G>A on transcript NM_001035.3 (MANE Select); coding-DNA position 13220, G replaced by A.
Protein change: p.Ser4407Asn; replaces serine 4407 with asparagine.
Molecular consequence: missense variant.
Genome position (GRCh38, 1-based): chr1:237,784,932, G>A. VCF-style: chr1-237784932-G-A. GRCh37 (hg19) VCF-style: chr1-237948232-G-A.
Other names: c.13220G>A, p.Ser4407Asn (LRG_402t1); short protein forms S4407N.
Identifiers: ClinVar variation 518758 (VCV000518758.19), dbSNP rs755585430, ClinGen allele CA085311.